The following is an entry in ClinVar:

NM_005632.3(CAPN15):c.192C>T (p.Cys64=)

Gene: CAPN15 (calpain 15; plus strand). Cytogenetic location: 16p13.3.
Variant type: single nucleotide variant.
Coding change: c.192C>T on transcript NM_005632.3 (MANE Select); coding-DNA position 192, C replaced by T.
Protein change: p.Cys64=; no amino-acid change (cysteine 64 retained).
Molecular consequence: synonymous variant.
Genome position (GRCh38, 1-based): chr16:547,030, C>T. VCF-style: chr16-547030-C-T. GRCh37 (hg19) VCF-style: chr16-597030-C-T.
Identifiers: ClinVar variation 3034481 (VCV003034481.2), dbSNP rs775059866, ClinGen allele CA7778008.

ClinVar aggregate classification (germline): Likely benign (0 of 4 stars; one submission).

Conditions:
CAPN15-related disorder. Also called: CAPN15-related condition.

Allele frequency attached by ClinVar (database versions not stated): TOPMed 0.00001; ExAC 0.00003.
gnomAD v4.1: 38 of 1,609,270 alleles (0.0024%); highest among the groups gnomAD compares: East Asian, 0.04%; no homozygotes.

Submission:

PreventionGenetics, part of Exact Sciences
Classification: Likely benign for CAPN15-related condition. Last evaluated: 2019-06-13. Review status: no assertion criteria provided. Collection method: clinical testing. Allele origin: germline.
Comment: This variant is classified as likely benign based on ACMG/AMP sequence variant interpretation guidelines (Richards et al. 2015 PMID: 25741868, with internal and published modifications).